The following is an entry in ClinVar:

ClinVar aggregate classification (germline): Pathogenic. Review status: reviewed by expert panel (3 of 4 stars). 3 submissions from 3 submitters: Pathogenic (1). 2 of the submissions do not count toward it. Last evaluated 2025-12-01.

Conditions:
Mucopolysaccharidosis type 1. Also called: IDUA deficiency; MPS I; Mucopolysaccharidosis Type I. Identifiers: Orphanet 579, MedGen C0023786, MONDO:0001586.

Submissions (3):

ClinGen Lysosomal Storage Disorder Variant Curation Expert Panel
Classification: Pathogenic for Mucopolysaccharidosis type 1. Last evaluated: 2025-12-01. Review status: reviewed by expert panel. Criteria: ClinGen LSD ACMG Specifications IDUA V1.1.0. Collection method: curation. Allele origin: germline. Inheritance: Autosomal recessive inheritance.
Comment: The NM_000203.5:c.1190-1G>A variant in IDUA occurs within the canonical splice acceptor site of intron 8. It is predicted to cause skipping of biologically-relevant-exon 9 out of 14, resulting in an in-frame deletion of amino acids 397-467 which represents >10% of the protein (PMID:21734815) (PVS1_Strong). This variant has been detected in 7 individuals with MPS I. This variant has been detected in 7 Chinese individuals with MPS I. Of those individuals, two were compound heterozygous for the variant and another variant in IDUA that has been classified as pathogenic by the ClinGen LD VCEP, c.792+1G>T; the phase is unknown (PMID: 21734815, 2 x 0.5 points). Two patients were homozygous for the variant (2 x 0.5 points) (PMID: 21734815). Another patient was compound heterozygous for the variant and a second variant in IDUA, c.1088G>A. The allelic data from this patient will be used to support the classification of the second variant and is not included here in order to avoid circular logic (PMID:21734815). Total 2 points (PM3_Strong) At least 6 patients with this variant had documented IDUA deficiency within the affected range in leukocytes, and clinical features specific to MPS I including hepatosplenomegaly, corneal involvement, and arthropathy (PP4). This variant is absent in gnomAD v4.1.0. (PM2_Supporting). In summary, this variant meets the criteria to be classified as pathogenic for MPS I based on the IDUA-specific ACMG/AMP criteria applied, as specified by the ClinGen Lysosomal Diseases Variant Curation Expert Panel (Specifications Version 1.1.0): PVS1_Strong, PM3_Strong, PP4, PM2_Supporting. (Classification approved by the ClinGen Lysosomal Diseases Variant Curation Expert Panel on December 1, 2025)

Natera, Inc.
Classification: Pathogenic for Mucopolysaccharidosis type I. Last evaluated: 2026-01-27. Review status: criteria provided, single submitter. Criteria: Natera Variant Classification Schema (03/2026). Collection method: clinical testing. Allele origin: germline. Not counted in ClinVar's aggregate classification.
Comment: The c.1190-1G>A variant in IDUA is a canonical splice acceptor site variant predicted to affect pre-mRNA splicing, which may result in an abnormal transcript and altered protein product. This variant is expected to result in nonsense mediated decay, truncation, or a dysfunctional protein product. This variant is rare in the general population with a frequency below the threshold expected for the associated phenotype(s). This variant has been observed in one or more individuals affected with the associated recessive disease, as either homozygous or compound heterozygous with a second variant (PMID: 21734815). Given the available evidence, this variant is classified as Pathogenic.

GeneDx
Classification: Pathogenic. Last evaluated: 2020-12-04. Review status: criteria provided, single submitter. Criteria: GeneDx Variant Classification Process June 2021. Collection method: clinical testing. Allele origin: germline. Affected: yes. Not counted in ClinVar's aggregate classification.
Comment: Non-canonical splice site variant demonstrated to result in loss-of-function (Sun et al., 2011); Not observed in large population cohorts (Lek et al., 2016); This variant is associated with the following publications: (PMID: 21734815, 25525159)

Literature cited by the submitters: PubMed 21734815 (cited by Natera, Inc.).

NM_000203.5(IDUA):c.1190-1G>A

Gene: IDUA (alpha-L-iduronidase; plus strand). Cytogenetic location: 4p16.3.
Variant type: single nucleotide variant.
Coding change: c.1190-1G>A on transcript NM_000203.5 (MANE Select); the canonical splice acceptor site of the intron before coding-DNA position 1190, G replaced by A.
Molecular consequence: splice acceptor variant.
Genome position (GRCh38, 1-based): chr4:1,002,731, G>A. VCF-style: chr4-1002731-G-A. GRCh37 (hg19) VCF-style: chr4-996519-G-A.
Other names: c.1190-1G>A (NM_000203.4); c.794-1G>A (NM_001363576.1).
Identifiers: ClinVar variation 1204494 (VCV001204494.4), dbSNP rs1715175636, ClinGen allele CA355963511.